The following is an entry in ClinVar:

NM_022168.4(IFIH1):c.2960T>C (p.Phe987Ser)

Gene: IFIH1 (interferon induced with helicase C domain 1; minus strand). Cytogenetic location: 2q24.2.
Variant type: single nucleotide variant.
Coding change: c.2960T>C on transcript NM_022168.4 (MANE Select); coding-DNA position 2960, T replaced by C.
Protein change: p.Phe987Ser; replaces phenylalanine 987 with serine.
Molecular consequence: missense variant.
Genome position (GRCh38, 1-based): chr2:162,267,318, A>G on the plus strand (T>C on the coding strand, the complement: IFIH1 is on the minus strand). VCF-style: chr2-162267318-A-G. GRCh37 (hg19) VCF-style: chr2-163123828-A-G.
Other names: short protein forms F987S.
Identifiers: ClinVar variation 2949965 (VCV002949965.4), dbSNP rs767968518, ClinGen allele CA1934007.
Genomic context (GRCh38, chr2:162,267,318, plus strand): 5'-GGTAATTCTACCCACTTTTTGTATTGTTTCTTTGTTGAATTATTTTTGAAAACCACTACA[A>G]AATTCCTTATTTTGAGACAAGGCAAATCTAAGCCTTTGTGCACCATCATTGTTCCCCAAG-3'
Protein context (NP_071451.2, residues 977-997): LDLPCLKIRN[Phe987Ser]VVVFKNNSTK

ClinVar aggregate classification (germline): Uncertain significance. Review status: criteria provided, multiple submitters, no conflicts (2 of 4 stars). 2 submissions from 2 submitters: Uncertain significance (2). Last evaluated 2025-10-11.

Conditions:
Singleton-Merten syndrome 1 (SGMRT1). Also called: Widened medullary cavities of bone, aortic calcification, abnormal dentition, and muscular weakness; Syndrome of widened medullary cavities of the metacarpals and phalanges, aortic calcification and abnormal dentition. Identifiers: Orphanet 85191, MedGen C4225427, MONDO:0024535, OMIM 182250.
Aicardi-Goutieres syndrome 7 (AGS7). Identifiers: Orphanet 51, MedGen C3888244, MONDO:0014367, OMIM 615846.

Allele frequency attached by ClinVar (database versions not stated): TOPMed below 0.00001; gnomAD exomes 0.00002; ExAC 0.00003; gnomAD 0.00004.
gnomAD v4.1: 27 of 1,612,706 alleles (0.0017%); highest among the groups gnomAD compares: South Asian, 0.028%; no homozygotes.

Submissions (2):

Labcorp Genetics (formerly Invitae), Labcorp
Classification: Uncertain significance for Aicardi-Goutieres syndrome 7; Singleton-Merten syndrome 1. Last evaluated: 2025-10-11. Review status: criteria provided, single submitter. Criteria: Invitae Variant Classification Sherloc (09022015). Collection method: clinical testing. Allele origin: germline.
Comment: This sequence change replaces phenylalanine, which is neutral and non-polar, with serine, which is neutral and polar, at codon 987 of the IFIH1 protein (p.Phe987Ser). This variant is present in population databases (rs767968518, gnomAD 0.02%). This variant has not been reported in the literature in individuals affected with IFIH1-related conditions. ClinVar contains an entry for this variant (Variation ID: 2949965). Invitae Evidence Modeling of protein sequence and biophysical properties (such as structural, functional, and spatial information, amino acid conservation, physicochemical variation, residue mobility, and thermodynamic stability) has been performed for this missense variant. However, the output from this modeling did not meet the statistical confidence thresholds required to predict the impact of this variant on IFIH1 protein function. In summary, the available evidence is currently insufficient to determine the role of this variant in disease. Therefore, it has been classified as a Variant of Uncertain Significance.

Blueprint Genetics
Classification: Uncertain significance. Last evaluated: 2021-10-05. Review status: criteria provided, single submitter. Criteria: ACMG Guidelines, 2015. Collection method: clinical testing. Allele origin: germline.